The following is an entry in ClinVar:

NM_001040108.2(MLH3):c.1774A>G (p.Arg592Gly)

Gene: MLH3 (mutL homolog 3; minus strand). Cytogenetic location: 14q24.3.
Variant type: single nucleotide variant.
Coding change: c.1774A>G on transcript NM_001040108.2 (MANE Select); coding-DNA position 1774, A replaced by G.
Protein change: p.Arg592Gly; replaces arginine 592 with glycine.
Molecular consequence: missense variant.
Genome position (GRCh38, 1-based): chr14:75,047,882, T>C on the plus strand (A>G on the coding strand, the complement: MLH3 is on the minus strand). VCF-style: chr14-75047882-T-C. GRCh37 (hg19) VCF-style: chr14-75514585-T-C.
Other names: c.1774A>G, p.Arg592Gly (NM_014381.3); short protein forms R592G.
Identifiers: ClinVar variation 1779844 (VCV001779844.3), dbSNP rs2503287051, ClinGen allele CA390444352.

ClinVar aggregate classification (germline): Likely benign. Review status: criteria provided, single submitter (1 of 4 stars). 2 submissions from 2 submitters: Likely benign (1). 1 of the submissions does not count toward it. Last evaluated 2021-11-21.

Conditions:
MLH3-related disorder. Also called: MLH3-related condition.

Allele frequency attached by ClinVar (database versions not stated): gnomAD exomes below 0.00001.
gnomAD v4.1: 5 of 1,613,440 alleles (0.00031%); highest among the groups gnomAD compares: Non-Finnish European, 0.00042%; no homozygotes.

Submissions (2):

Ambry Genetics
Classification: Likely benign. Last evaluated: 2021-11-21. Review status: criteria provided, single submitter. Criteria: Ambry Variant Classification Scheme 2023. Collection method: clinical testing. Allele origin: germline.

PreventionGenetics, part of Exact Sciences
Classification: Uncertain significance for MLH3-related condition. Last evaluated: 2024-09-11. Review status: no assertion criteria provided. Collection method: clinical testing. Allele origin: germline. Not counted in ClinVar's aggregate classification.
Comment: The MLH3 c.1774A>G variant is predicted to result in the amino acid substitution p.Arg592Gly. To our knowledge, this variant has not been reported in the literature or in gnomAD, indicating this variant is rare. This variant has been reported as likely benign by a single submitter in ClinVar. Although we suspect that this variant may be benign, at this time, the clinical significance of this variant is uncertain due to the absence of conclusive functional and genetic evidence.